The following is an entry in ClinVar:

ClinVar aggregate classification (germline): Uncertain significance. Review status: criteria provided, multiple submitters, no conflicts (2 of 4 stars). 2 submissions from 2 submitters: Uncertain significance (2). Last evaluated 2023-04-26.

Conditions:
Microphthalmia with brain and digit anomalies (MCOPS6). Also called: MICROPHTHALMIA AND PITUITARY ANOMALIES; Microphthalmia, syndromic 6. Identifiers: Orphanet 139471, MedGen C1864689, MONDO:0011936, OMIM 607932.
Orofacial cleft 11 (OFC11). Also called: Orofacial cleft 11; ofc11; CLEFT LIP WITH OR WITHOUT CLEFT PALATE, NONSYNDROMIC, 11. Identifiers: MedGen C2677434, MONDO:0010906, OMIM 600625.
Inborn genetic diseases. Identifiers: MedGen C0950123, MeSH D030342.

Submissions (2):

Labcorp Genetics (formerly Invitae), Labcorp
Classification: Uncertain significance for Microphthalmia with brain and digit anomalies; Orofacial cleft 11. Last evaluated: 2023-04-26. Review status: criteria provided, single submitter. Criteria: Invitae Variant Classification Sherloc (09022015). Collection method: clinical testing. Allele origin: germline.
Comment: This sequence change replaces arginine, which is basic and polar, with glutamine, which is neutral and polar, at codon 84 of the BMP4 protein (p.Arg84Gln). This variant is not present in population databases (gnomAD no frequency). This variant has not been reported in the literature in individuals affected with BMP4-related conditions. ClinVar contains an entry for this variant (Variation ID: 2273311). Advanced modeling of protein sequence and biophysical properties (such as structural, functional, and spatial information, amino acid conservation, physicochemical variation, residue mobility, and thermodynamic stability) performed at Invitae indicates that this missense variant is not expected to disrupt BMP4 protein function. In summary, the available evidence is currently insufficient to determine the role of this variant in disease. Therefore, it has been classified as a Variant of Uncertain Significance.

Ambry Genetics
Classification: Uncertain significance for Inborn genetic diseases. Last evaluated: 2022-01-26. Review status: criteria provided, single submitter. Criteria: Ambry Variant Classification Scheme 2023. Collection method: clinical testing. Allele origin: germline.

NM_001202.6(BMP4):c.251G>A (p.Arg84Gln)

Gene: BMP4 (bone morphogenetic protein 4; minus strand). Cytogenetic location: 14q22.2.
Variant type: single nucleotide variant.
Coding change: c.251G>A on transcript NM_001202.6 (MANE Select); coding-DNA position 251, G replaced by A.
Protein change: p.Arg84Gln; replaces arginine 84 with glutamine.
Molecular consequence: missense variant.
Genome position (GRCh38, 1-based): chr14:53,951,972, C>T on the plus strand (G>A on the coding strand, the complement: BMP4 is on the minus strand). VCF-style: chr14-53951972-C-T. GRCh37 (hg19) VCF-style: chr14-54418690-C-T.
Other names: c.392G>A, p.Arg131Gln (NM_001347912.1); c.62G>A, p.Arg21Gln (NM_001347913.2, NM_001347915.2, NM_001347917.1); c.251G>A, p.Arg84Gln (NM_001347914.2, NM_001347916.1, NM_130850.5 and 1 more transcripts); short protein forms R21Q, R84Q, R131Q.
Identifiers: ClinVar variation 2273311 (VCV002273311.5), dbSNP rs2502593134, ClinGen allele CA389785254.